The following is an entry in ClinVar:

NM_001348323.3(TRIP12):c.3758A>G (p.Asp1253Gly)

Gene: TRIP12 (thyroid hormone receptor interactor 12; minus strand). Cytogenetic location: 2q36.3.
Variant type: single nucleotide variant.
Coding change: c.3758A>G on transcript NM_001348323.3 (MANE Select); coding-DNA position 3758, A replaced by G.
Protein change: p.Asp1253Gly; replaces aspartic acid 1253 with glycine.
Molecular consequence: missense variant.
Genome position (GRCh38, 1-based): chr2:229,796,649, T>C on the plus strand (A>G on the coding strand, the complement: TRIP12 is on the minus strand). VCF-style: chr2-229796649-T-C. GRCh37 (hg19) VCF-style: chr2-230661365-T-C.
Other names: c.3677A>G, p.Asp1226Gly (NM_001284214.2, NM_001348315.2); c.3632A>G, p.Asp1211Gly (NM_001284215.2, NM_001348316.2, NM_001348317.1 and 1 more transcripts); c.2723A>G, p.Asp908Gly (NM_001284216.2); c.3758A>G, p.Asp1253Gly (NM_001348319.1, NM_001348320.2, NM_001348322.1 and 4 more transcripts); c.3761A>G, p.Asp1254Gly (NM_001348321.1, NM_001348328.1, NM_001348329.2 and 1 more transcripts); c.3551A>G, p.Asp1184Gly (NM_001348331.1); c.3671A>G, p.Asp1224Gly (NM_001348332.1); c.3680A>G, p.Asp1227Gly (NM_001348333.1); and 1 more; short protein forms D1184G, D1227G, D908G, D1211G, D1224G, D1226G, D1254G, D1178G.
Identifiers: ClinVar variation 4839646 (VCV004839646.1).

ClinVar aggregate classification (germline): Uncertain significance (1 of 4 stars; one submission).

Conditions:
Inborn genetic diseases. Identifiers: MedGen C0950123, MeSH D030342.

gnomAD v4.1: 4 of 1,612,398 alleles (0.00025%); highest among the groups gnomAD compares: Non-Finnish European, 0.00034%; no homozygotes.

Submission:

Ambry Genetics
Classification: Uncertain significance for Inborn genetic diseases. Last evaluated: 2026-01-21. Review status: criteria provided, single submitter. Criteria: Ambry Variant Classification Scheme 2023. Collection method: clinical testing. Allele origin: germline.
Comment: The c.3533A>G (p.D1178G) alteration is located in exon 24 (coding exon 23) of the TRIP12 gene. This alteration results from a A to G substitution at nucleotide position 3533, causing the aspartic acid (D) at amino acid position 1178 to be replaced by a glycine (G). Based on data from gnomAD, the G allele has an overall frequency of <0.001% (1/249346) total alleles studied. The highest observed frequency was 0.001% (1/113182) of European (non-Finnish) alleles. Based on insufficient or conflicting evidence, the clinical significance of this alteration remains unclear.